The following is an entry in ClinVar:

ClinVar aggregate classification (germline): Conflicting classifications of pathogenicity. Review status: criteria provided, conflicting classifications (1 of 4 stars). 5 submissions from 5 submitters: Likely pathogenic (2); Uncertain significance (2); Likely benign (1). Last evaluated 2024-09-10.

Conditions:
Gaucher disease type I (GD1). Also called: GD 1; ACID BETA-GLUCOSIDASE DEFICIENCY; GAUCHER DISEASE, NONCEREBRAL JUVENILE; GBA DEFICIENCY; GD I; GLUCOCEREBROSIDASE DEFICIENCY. Identifiers: Orphanet 355, Orphanet 77259, MedGen C1961835, MONDO:0009265, OMIM 230800.

Allele frequency attached by ClinVar (database versions not stated): ESP Exome Variant Server 0.00008.
gnomAD v4.1: 67 of 1,613,020 alleles (0.0042%); highest among the groups gnomAD compares: Admixed American, 0.0084%; no homozygotes.

Submissions (5):

Women's Health and Genetics/Laboratory Corporation of America, LabCorp
Classification: Uncertain significance. Last evaluated: 2024-09-10. Review status: criteria provided, single submitter. Criteria: LabCorp Variant Classification Summary - May 2015. Collection method: clinical testing. Allele origin: germline.
Comment: Variant summary: GBA1 c.1495G>C (p.Val499Leu) results in a conservative amino acid change located in the Glycosyl hydrolase family 30, beta sandwich domain (IPR033452) of the encoded protein sequence. Three of five in-silico tools predict a benign effect of the variant on protein function. The variant allele was found at a frequency of 4.2e-05 in 1613020 control chromosomes. This frequency is not significantly higher than estimated for a pathogenic variant in GBA1 causing Gaucher Disease (4.2e-05 vs 0.005), allowing no conclusion about variant significance. c.1495G>C has been reported in the literature in several individuals affected with Gaucher-related Parkinsons' disease without clear clinical information or with a complex genotype in 1 individual with Gaucher disease without clinical information (McNeill_2012, Machaczka_2018, Petrucci_2020, Kars_2021). These report(s) do not provide unequivocal conclusions about association of the variant with Gaucher Disease. To our knowledge, no experimental evidence demonstrating an impact on protein function has been reported. The following publications have been ascertained in the context of this evaluation (PMID: 34426522, 27789132, 22577228, 32658388). ClinVar contains an entry for this variant (Variation ID: 634558). Based on the evidence outlined above, the variant was classified as uncertain significance.

GeneDx
Classification: Uncertain significance. Last evaluated: 2024-08-01. Review status: criteria provided, single submitter. Criteria: GeneDx Variant Classification Process June 2021. Collection method: clinical testing. Allele origin: germline. Affected: yes.
Comment: Also known as V460L, reported in the single heterozygous state in an individual with Parkinson disease (PMID: 22577228); In silico analysis indicates that this missense variant does not alter protein structure/function; This variant is associated with the following publications: (PMID: 27153395, 34426522, 35639160, 22577228)

CeGaT Center for Human Genetics Tuebingen
Classification: Likely benign. Last evaluated: 2022-10-01. Review status: criteria provided, single submitter. Criteria: CeGaT Center For Human Genetics Tuebingen Variant Classification Criteria Version 2. Collection method: clinical testing. Allele origin: germline. Affected: yes. Observed: 1 variant allele.
Comment: GBA1: BS2

Genome-Nilou Lab
Classification: Likely pathogenic for Gaucher disease type I. Last evaluated: 2021-07-22. Review status: criteria provided, single submitter. Criteria: ACMG Guidelines, 2015. Collection method: clinical testing. Allele origin: germline. Affected: no.

Genomic Research Center, Shahid Beheshti University of Medical Sciences
Classification: Likely pathogenic for Gaucher disease, type 1. Last evaluated: 2019-01-01. Review status: criteria provided, single submitter. Criteria: ACMG Guidelines, 2015. Collection method: clinical testing. Allele origin: unknown. Affected: yes. Observed: 1 variant allele.

Literature cited by the submitters: PubMed 27153395 (cited by Women's Health and Genetics/Laboratory Corporation of America, LabCorp); PubMed 32658388 (cited by Women's Health and Genetics/Laboratory Corporation of America, LabCorp); PubMed 34426522 (cited by Women's Health and Genetics/Laboratory Corporation of America, LabCorp); PubMed 27789132 (cited by Women's Health and Genetics/Laboratory Corporation of America, LabCorp); PubMed 22577228 (cited by Women's Health and Genetics/Laboratory Corporation of America, LabCorp).

NM_000157.4(GBA1):c.1495G>C (p.Val499Leu)

Genes: GBA1 (glucosylceramidase beta 1; minus strand), LOC106627981 (GBA recombination region; plus strand). Cytogenetic location: 1q22.
Variant type: single nucleotide variant.
Coding change: c.1495G>C on transcript NM_000157.4 (MANE Select); coding-DNA position 1495, G replaced by C.
Protein change: p.Val499Leu; replaces valine 499 with leucine.
Molecular consequence: missense variant.
Genome position (GRCh38, 1-based): chr1:155,235,205, C>G on the plus strand (G>C on the coding strand, the complement: GBA1 is on the minus strand). VCF-style: chr1-155235205-C-G. GRCh37 (hg19) VCF-style: chr1-155204996-C-G.
Other names: c.1495G>C, p.Val499Leu (NM_001005741.3, NM_001005742.3); c.1234G>C, p.Val412Leu (NM_001171811.2); c.1348G>C, p.Val450Leu (NM_001171812.2); short protein forms V499L, V450L, V412L.
Identifiers: ClinVar variation 634558 (VCV000634558.34), dbSNP rs369068553, ClinGen allele CA501136.
Genomic context (GRCh38, chr1:155,235,205, plus strand): 5'-CCCCCAACGCTGTCTTCAGCCCACTTCCCAGACCTCACCATTGCCCTCACCGGTTTAGCA[C>G]GACCACAACAGCAGAGCCATCGGGATGCATCAGTGCCACTGCGTCCAGGTCGTTCTTCTG-3'
Protein context (NP_000148.2, residues 489-509): MHPDGSAVVV[Val499Leu]LNRSSKDVPL